The following is an entry in ClinVar:

NM_019594.4(LRRC8A):c.1772C>T (p.Ala591Val)

Gene: LRRC8A (leucine rich repeat containing 8 VRAC subunit A; plus strand). Cytogenetic location: 9q34.11.
Variant type: single nucleotide variant.
Coding change: c.1772C>T on transcript NM_019594.4 (MANE Select); coding-DNA position 1772, C replaced by T.
Protein change: p.Ala591Val; replaces alanine 591 with valine.
Molecular consequence: missense variant.
Genome position (GRCh38, 1-based): chr9:128,908,936, C>T. VCF-style: chr9-128908936-C-T. GRCh37 (hg19) VCF-style: chr9-131671215-C-T.
Other names: c.1772C>T, p.Ala591Val (NM_001127244.2, NM_001127245.2); short protein forms A591V.
Identifiers: ClinVar variation 3604533 (VCV003604533.2).

ClinVar aggregate classification (germline): Uncertain significance (1 of 4 stars; one submission).

Submission:

Labcorp Genetics (formerly Invitae), Labcorp
Classification: Uncertain significance. Last evaluated: 2024-10-23. Review status: criteria provided, single submitter. Criteria: Invitae Variant Classification Sherloc (09022015). Collection method: clinical testing. Allele origin: germline.
Comment: This sequence change replaces alanine, which is neutral and non-polar, with valine, which is neutral and non-polar, at codon 591 of the LRRC8A protein (p.Ala591Val). This variant is present in population databases (rs760232174, gnomAD 0.02%). This variant has not been reported in the literature in individuals affected with LRRC8A-related conditions. An algorithm developed to predict the effect of missense changes on protein structure and function outputs the following: PolyPhen-2: "Benign". The valine amino acid residue is found in multiple mammalian species, which suggests that this missense change does not adversely affect protein function. In summary, the available evidence is currently insufficient to determine the role of this variant in disease. Therefore, it has been classified as a Variant of Uncertain Significance.